The following is an entry in ClinVar:

ClinVar aggregate classification (germline): Likely benign. Review status: criteria provided, multiple submitters, no conflicts (2 of 4 stars). 2 submissions from 2 submitters: Likely benign (2). Last evaluated 2025-04-09.

Allele frequency attached by ClinVar (database versions not stated): TOPMed 0.00001; gnomAD 0.00003; ExAC 0.00027; 1000 Genomes Project 30x 0.00031; 1000 Genomes Project 0.00040.
gnomAD v4.1: 120 of 1,612,234 alleles (0.0074%); highest among the groups gnomAD compares: South Asian, 0.11%; 1 homozygote.

Submissions (2):

Labcorp Genetics (formerly Invitae), Labcorp
Classification: Likely benign. Last evaluated: 2025-04-09. Review status: criteria provided, single submitter. Criteria: Invitae Variant Classification Sherloc (09022015). Collection method: clinical testing. Allele origin: germline.

CeGaT Center for Human Genetics Tuebingen
Classification: Likely benign. Last evaluated: 2023-12-01. Review status: criteria provided, single submitter. Criteria: CeGaT Center For Human Genetics Tuebingen Variant Classification Criteria Version 2. Collection method: clinical testing. Allele origin: germline. Affected: yes. Observed: 1 variant allele.
Comment: MBTPS1: BP4

NM_003791.4(MBTPS1):c.1449-7A>T

Gene: MBTPS1 (membrane bound transcription factor peptidase, site 1; minus strand). Cytogenetic location: 16q23.3.
Variant type: single nucleotide variant.
Coding change: c.1449-7A>T on transcript NM_003791.4 (MANE Select); 7 bases into the intron before coding-DNA position 1449, A replaced by T.
Molecular consequence: intron variant.
Genome position (GRCh38, 1-based): chr16:84,074,748, T>A on the plus strand (A>T on the coding strand, the complement: MBTPS1 is on the minus strand). VCF-style: chr16-84074748-T-A. GRCh37 (hg19) VCF-style: chr16-84108353-T-A.
Identifiers: ClinVar variation 2054523 (VCV002054523.26), dbSNP rs575323212, ClinGen allele CA8201292.